The following is an entry in ClinVar:

ClinVar aggregate classification (germline): Likely benign. Review status: criteria provided, multiple submitters, no conflicts (2 of 4 stars). 2 submissions from 2 submitters: Likely benign (2). Last evaluated 2025-06-27.

Conditions:
Adams-Oliver syndrome 5 (AOS5). Identifiers: Orphanet 974, MedGen C4014970, MONDO:0014459, OMIM 616028.

Allele frequency attached by ClinVar (database versions not stated): gnomAD exomes below 0.00001 and 0.00001.
gnomAD v4.1: 7 of 1,612,194 alleles (0.00043%); highest among the groups gnomAD compares: Non-Finnish European, 0.00059%; no homozygotes.

Submissions (2):

Labcorp Genetics (formerly Invitae), Labcorp
Classification: Likely benign for Adams-Oliver syndrome 5. Last evaluated: 2025-06-27. Review status: criteria provided, single submitter. Criteria: Invitae Variant Classification Sherloc (09022015). Collection method: clinical testing. Allele origin: germline.

GeneDx
Classification: Likely benign. Last evaluated: 2017-01-16. Review status: criteria provided, single submitter. Criteria: GeneDx Variant Classification (06012015). Collection method: clinical testing. Allele origin: germline. Affected: yes.
Comment: This variant is considered likely benign or benign based on one or more of the following criteria: it is a conservative change, it occurs at a poorly conserved position in the protein, it is predicted to be benign by multiple in silico algorithms, and/or has population frequency not consistent with disease.

NM_017617.5(NOTCH1):c.3510+11C>T

Gene: NOTCH1 (notch receptor 1; minus strand). Cytogenetic location: 9q34.3.
Variant type: single nucleotide variant.
Coding change: c.3510+11C>T on transcript NM_017617.5 (MANE Select); 11 bases into the intron after coding-DNA position 3510, C replaced by T.
Molecular consequence: intron variant.
Genome position (GRCh38, 1-based): chr9:136,507,944, G>A on the plus strand (C>T on the coding strand, the complement: NOTCH1 is on the minus strand). VCF-style: chr9-136507944-G-A. GRCh37 (hg19) VCF-style: chr9-139402396-G-A.
Other names: c.3510+11C>T (LRG_1122t1).
Identifiers: ClinVar variation 392755 (VCV000392755.5), dbSNP rs1057524613, ClinGen allele CA16605476.